The following is an entry in ClinVar:

ClinVar aggregate classification (germline): Uncertain significance (1 of 4 stars; one submission).

Conditions:
Familial thoracic aortic aneurysm and aortic dissection (TAAD). Also called: Thoracic aortic aneurysms and dissections. Identifiers: Orphanet 91387, MedGen C4707243, MONDO:0019625.

Allele frequency attached by ClinVar (database versions not stated): gnomAD exomes below 0.00001.

Submission:

Ambry Genetics
Classification: Uncertain significance for Familial thoracic aortic aneurysm and aortic dissection. Last evaluated: 2019-07-10. Review status: criteria provided, single submitter. Criteria: Ambry Variant Classification Scheme 2023. Collection method: clinical testing. Allele origin: germline.
Comment: The p.S280* variant (also known as c.839C>G), located in coding exon 7 of the MYLK gene, results from a C to G substitution at nucleotide position 839. This changes the amino acid from a serine to a stop codon within coding exon 7. This alteration is expected to result in loss of function by premature protein truncation or nonsense-mediated mRNA decay. However, this alteration impacts only one of the known MYLK isoforms; the predominant cardiac isoform of MYLK is unaffected by this variant. Since supporting evidence is limited at this time, the clinical significance of this alteration remains unclear.

NM_053025.4(MYLK):c.839C>G (p.Ser280Ter)

Gene: MYLK (myosin light chain kinase; minus strand). Cytogenetic location: 3q21.1.
Variant type: single nucleotide variant.
Coding change: c.839C>G on transcript NM_053025.4 (MANE Select); coding-DNA position 839, C replaced by G.
Protein change: p.Ser280Ter; replaces serine 280 with a stop codon.
Molecular consequence: nonsense.
Genome position (GRCh38, 1-based): chr3:123,734,157, G>C on the plus strand (C>G on the coding strand, the complement: MYLK is on the minus strand). VCF-style: chr3-123734157-G-C. GRCh37 (hg19) VCF-style: chr3-123453004-G-C.
Other names: c.311C>G, p.Ser104Ter (NM_001321309.2); c.839C>G, p.Ser280Ter (NM_053026.4, NM_053027.4, NM_053028.4); short protein forms S104*, S280*.
Identifiers: ClinVar variation 1763216 (VCV001763216.2), dbSNP rs1560148873, ClinGen allele CA075627.